The following is an entry in ClinVar:

ClinVar aggregate classification (germline): Likely pathogenic. Review status: criteria provided, multiple submitters, no conflicts (2 of 4 stars). 2 submissions from 2 submitters: Likely pathogenic (2). Last evaluated 2025-12-02.

Conditions:
Congenital lactic acidosis, Saguenay-Lac-Saint-Jean type (MC4DN5). Also called: CYTOCHROME c OXIDASE DEFICIENCY, FRENCH CANADIAN TYPE; COX DEFICIENCY, FRENCH CANADIAN TYPE; MITOCHONDRIAL COMPLEX IV DEFICIENCY, NUCLEAR TYPE 5. Identifiers: Orphanet 70472, MedGen C1857355, MONDO:0009069, OMIM 220111.
LRPPRC-related disorder. Also called: LRPPRC-related condition.

Submissions (2):

Natera, Inc.
Classification: Likely pathogenic for French-Canadian type Leigh syndrome. Last evaluated: 2025-12-02. Review status: criteria provided, single submitter. Criteria: Natera Variant Classification Schema (03/2026). Collection method: clinical testing. Allele origin: germline.
Comment: The c.2T>C variant in LRPPRC is predicted to result in start loss due to disruption of the initiator methionine. This variant is expected to result in nonsense mediated decay, truncation, or a dysfunctional protein product. This variant is rare in the general population with a frequency below the threshold expected for the associated phenotype(s). Given the available evidence, this variant is classified as Likely Pathogenic.

Blueprint Genetics
Classification: Likely pathogenic for LRPPRC-related disorders. Last evaluated: 2022-08-08. Review status: criteria provided, single submitter. Criteria: ACMG Guidelines, 2015. Collection method: clinical testing. Allele origin: germline. Affected: yes. Observed: 1 variant allele.

NM_133259.4(LRPPRC):c.2T>C (p.Met1Thr)

Gene: LRPPRC (leucine rich pentatricopeptide repeat containing; minus strand). Cytogenetic location: 2p21.
Variant type: single nucleotide variant.
Coding change: c.2T>C on transcript NM_133259.4 (MANE Select); coding-DNA position 2, T replaced by C.
Protein change: p.Met1Thr; changes the start codon (methionine 1).
Molecular consequence: missense variant, initiator codon variant.
Genome position (GRCh38, 1-based): chr2:43,995,946, A>G on the plus strand (T>C on the coding strand, the complement: LRPPRC is on the minus strand). VCF-style: chr2-43995946-A-G. GRCh37 (hg19) VCF-style: chr2-44223085-A-G.
Other names: short protein forms M1T.
Identifiers: ClinVar variation 4816490 (VCV004816490.2).